The following is an entry in ClinVar:

ClinVar aggregate classification (germline): Uncertain significance. Review status: criteria provided, multiple submitters, no conflicts (2 of 4 stars). 2 submissions from 2 submitters: Uncertain significance (2). Last evaluated 2025-09-29.

Conditions:
Inborn genetic diseases. Identifiers: MedGen C0950123, MeSH D030342.

Allele frequency attached by ClinVar (database versions not stated): gnomAD exomes 0.00001; TOPMed 0.00001; gnomAD 0.00003; 1000 Genomes Project 0.00026; ExAC 0.00007; 1000 Genomes Project 30x 0.00021.
gnomAD v4.1: 11 of 1,207,700 alleles (0.00091%); highest among the groups gnomAD compares: South Asian, 0.0053%; no homozygotes.

Submissions (2):

Labcorp Genetics (formerly Invitae), Labcorp
Classification: Uncertain significance. Last evaluated: 2025-09-29. Review status: criteria provided, single submitter. Criteria: Invitae Variant Classification Sherloc (09022015). Collection method: clinical testing. Allele origin: germline.
Comment: This sequence change replaces glycine, which is neutral and non-polar, with arginine, which is basic and polar, at codon 855 of the RBM10 protein (p.Gly855Arg). The frequency data for this variant in the population databases is considered unreliable, as metrics indicate poor data quality at this position in the gnomAD database. This variant has not been reported in the literature in individuals affected with RBM10-related conditions. ClinVar contains an entry for this variant (Variation ID: 2909453). Invitae Evidence Modeling of protein sequence and biophysical properties (such as structural, functional, and spatial information, amino acid conservation, physicochemical variation, residue mobility, and thermodynamic stability) indicates that this missense variant is not expected to disrupt RBM10 protein function with a negative predictive value of 80%. In summary, the available evidence is currently insufficient to determine the role of this variant in disease. Therefore, it has been classified as a Variant of Uncertain Significance.

Ambry Genetics
Classification: Uncertain significance for Inborn genetic diseases. Last evaluated: 2025-01-21. Review status: criteria provided, single submitter. Criteria: Ambry Variant Classification Scheme 2023. Collection method: clinical testing. Allele origin: germline.

NM_005676.5(RBM10):c.2563G>A (p.Gly855Arg)

Gene: RBM10 (RNA binding motif protein 10; plus strand). Cytogenetic location: Xp11.3.
Variant type: single nucleotide variant.
Coding change: c.2563G>A on transcript NM_005676.5 (MANE Select); coding-DNA position 2563, G replaced by A.
Protein change: p.Gly855Arg; replaces glycine 855 with arginine.
Molecular consequence: missense variant.
Genome position (GRCh38, 1-based): chrX:47,186,283, G>A. VCF-style: chrX-47186283-G-A. GRCh37 (hg19) VCF-style: chrX-47045682-G-A.
Other names: c.2332G>A, p.Gly778Arg (NM_001204466.2); c.2560G>A, p.Gly854Arg (NM_001204467.2); c.2758G>A, p.Gly920Arg (NM_001204468.2); c.2329G>A, p.Gly777Arg (NM_152856.3); c.2563G>A (NM_005676.4); short protein forms G777R, G855R, G920R, G854R, G778R.
Identifiers: ClinVar variation 2909453 (VCV002909453.4), dbSNP rs782323783, ClinGen allele CA10395506.